The following is an entry in ClinVar:

NM_001099271.2(POC5):c.871G>A (p.Val291Ile)

Gene: POC5 (POC5 centriolar protein; minus strand). Cytogenetic location: 5q13.3.
Variant type: single nucleotide variant.
Coding change: c.871G>A on transcript NM_001099271.2 (MANE Select); coding-DNA position 871, G replaced by A.
Protein change: p.Val291Ile; replaces valine 291 with isoleucine.
Molecular consequence: missense variant.
Genome position (GRCh38, 1-based): chr5:75,690,487, C>T on the plus strand (G>A on the coding strand, the complement: POC5 is on the minus strand). VCF-style: chr5-75690487-C-T. GRCh37 (hg19) VCF-style: chr5-74986312-C-T.
Other names: c.871G>A (NM_001099271.1); c.796G>A, p.Val266Ile (NM_152408.3); short protein forms V266I, V291I.
Identifiers: ClinVar variation 2197776 (VCV002197776.5), dbSNP rs201831831, ClinGen allele CA3310455.

ClinVar aggregate classification (germline): Conflicting classifications of pathogenicity. Review status: criteria provided, conflicting classifications (1 of 4 stars). 2 submissions from 2 submitters: Uncertain significance (1); Likely benign (1). Last evaluated 2026-01-27.

Allele frequency attached by ClinVar (database versions not stated): ESP Exome Variant Server 0.00008; TOPMed 0.00014; gnomAD exomes 0.00015; 1000 Genomes Project 30x 0.00016; gnomAD 0.00017; 1000 Genomes Project 0.00020; ExAC 0.00022.
gnomAD v4.1: 235 of 1,608,978 alleles (0.015%); highest among the groups gnomAD compares: Non-Finnish European, 0.018%; 1 homozygote.

Submissions (2):

Labcorp Genetics (formerly Invitae), Labcorp
Classification: Uncertain significance. Last evaluated: 2026-01-27. Review status: criteria provided, single submitter. Criteria: Invitae Variant Classification Sherloc (09022015). Collection method: clinical testing. Allele origin: germline.
Comment: This sequence change replaces valine, which is neutral and non-polar, with isoleucine, which is neutral and non-polar, at codon 291 of the POC5 protein (p.Val291Ile). This variant is present in population databases (rs201831831, gnomAD 0.03%). This variant has not been reported in the literature in individuals affected with POC5-related conditions. ClinVar contains an entry for this variant (Variation ID: 2197776). An algorithm developed to predict the effect of missense changes on protein structure and function outputs the following: PolyPhen-2: "Benign". The isoleucine amino acid residue is found in multiple mammalian species, which suggests that this missense change does not adversely affect protein function. In summary, the available evidence is currently insufficient to determine the role of this variant in disease. Therefore, it has been classified as a Variant of Uncertain Significance.

Ambry Genetics
Classification: Likely benign. Last evaluated: 2022-12-01. Review status: criteria provided, single submitter. Criteria: Ambry Variant Classification Scheme 2023. Collection method: clinical testing. Allele origin: germline.